The following is an entry in ClinVar:

NM_000219.6(KCNE1):c.129G>C (p.Glu43Asp)

Gene: KCNE1 (potassium voltage-gated channel subfamily E regulatory subunit 1; minus strand). Cytogenetic location: 21q22.12.
Variant type: single nucleotide variant.
Coding change: c.129G>C on transcript NM_000219.6 (MANE Select); coding-DNA position 129, G replaced by C.
Protein change: p.Glu43Asp; replaces glutamic acid 43 with aspartic acid.
Molecular consequence: missense variant.
Genome position (GRCh38, 1-based): chr21:34,449,506, C>G on the plus strand (G>C on the coding strand, the complement: KCNE1 is on the minus strand). VCF-style: chr21-34449506-C-G. GRCh37 (hg19) VCF-style: chr21-35821804-C-G.
Other names: c.129G>C, p.Glu43Asp (NM_001127668.4, NM_001127669.4, NM_001127670.4 and 4 more transcripts); short protein forms E43D.
Identifiers: ClinVar variation 3374121 (VCV003374121.2).

Conditions:
Long QT syndrome 5 (LQT5). Identifiers: Orphanet 101016, Orphanet 768, MedGen C1867904, MONDO:0013372, OMIM 613695.

Submission:

Roden Lab, Vanderbilt University Medical Center
No classification provided (evidence only). Condition: Long QT syndrome 5. Review status: no classification provided. Collection method: in vitro. Allele origin: not applicable. Functional consequence: Effect on ion channel function.
ClinVar note: "not provided" was previously submitted as the classification for the variant. However, the classification appeared to be based only on an observation of functional data so it was converted to no classification on 2025-07-30.